The following is an entry in ClinVar:

NM_006231.4(POLE):c.5261T>G (p.Met1754Arg)

Gene: POLE (DNA polymerase epsilon, catalytic subunit; minus strand). Cytogenetic location: 12q24.33.
Variant type: single nucleotide variant.
Coding change: c.5261T>G on transcript NM_006231.4 (MANE Select); coding-DNA position 5261, T replaced by G.
Protein change: p.Met1754Arg; replaces methionine 1754 with arginine.
Molecular consequence: missense variant.
Genome position (GRCh38, 1-based): chr12:132,641,764, A>C on the plus strand (T>G on the coding strand, the complement: POLE is on the minus strand). VCF-style: chr12-132641764-A-C. GRCh37 (hg19) VCF-style: chr12-133218350-A-C.
Other names: short protein forms M1754R.
Identifiers: ClinVar variation 1746452 (VCV001746452.2), dbSNP rs2541881081, ClinGen allele CA387376271.

ClinVar aggregate classification (germline): Uncertain significance (1 of 4 stars; one submission).

Conditions:
Hereditary cancer-predisposing syndrome. Also called: Hereditary Cancer Syndrome; Neoplastic Syndromes, Hereditary; Tumor predisposition; Hereditary neoplastic syndrome. Identifiers: Orphanet 140162, MedGen C0027672, MeSH D009386, MONDO:0015356.

Submission:

Ambry Genetics
Classification: Uncertain significance for Hereditary cancer-predisposing syndrome. Last evaluated: 2021-11-06. Review status: criteria provided, single submitter. Criteria: Ambry Variant Classification Scheme 2023. Collection method: clinical testing. Allele origin: germline.
Comment: The p.M1754R variant (also known as c.5261T>G), located in coding exon 39 of the POLE gene, results from a T to G substitution at nucleotide position 5261. The methionine at codon 1754 is replaced by arginine, an amino acid with similar properties. This amino acid position is conserved. In addition, this alteration is predicted to be tolerated by in silico analysis. Since supporting evidence is limited at this time, the clinical significance of this alteration remains unclear.